The following is an entry in ClinVar:

NM_001365999.1(SZT2):c.6291-2A>G

Gene: SZT2 (SZT2 subunit of KICSTOR complex; plus strand). Cytogenetic location: 1p34.2.
Variant type: single nucleotide variant.
Coding change: c.6291-2A>G on transcript NM_001365999.1 (MANE Select); the canonical splice acceptor site of the intron before coding-DNA position 6291, A replaced by G.
Molecular consequence: splice acceptor variant.
Genome position (GRCh38, 1-based): chr1:43,437,593, A>G. VCF-style: chr1-43437593-A-G. GRCh37 (hg19) VCF-style: chr1-43903264-A-G.
Other names: c.6120-2A>G (NM_015284.4).
Identifiers: ClinVar variation 2035238 (VCV002035238.4), dbSNP rs2545841470, ClinGen allele CA340029084.

ClinVar aggregate classification (germline): Likely pathogenic (1 of 4 stars; one submission).

Allele frequency attached by ClinVar (database versions not stated): gnomAD exomes below 0.00001.
gnomAD v4.1: 1 of 1,614,002 alleles (0.000062%); highest among the groups gnomAD compares: Non-Finnish European, 0.000085%; no homozygotes.

Submission:

Labcorp Genetics (formerly Invitae), Labcorp
Classification: Likely pathogenic. Last evaluated: 2022-10-12. Review status: criteria provided, single submitter. Criteria: Invitae Variant Classification Sherloc (09022015). Collection method: clinical testing. Allele origin: germline.
Comment: In summary, the currently available evidence indicates that the variant is pathogenic, but additional data are needed to prove that conclusively. Therefore, this variant has been classified as Likely Pathogenic. Algorithms developed to predict the effect of sequence changes on RNA splicing suggest that this variant may disrupt the consensus splice site. This variant has not been reported in the literature in individuals affected with SZT2-related conditions. This variant is not present in population databases (gnomAD no frequency). This sequence change affects an acceptor splice site in intron 43 of the SZT2 gene. It is expected to disrupt RNA splicing. Variants that disrupt the donor or acceptor splice site typically lead to a loss of protein function (PMID: 16199547), and loss-of-function variants in SZT2 are known to be pathogenic (PMID: 23932106, 27248490, 28556953).

Literature cited by the submitters: PubMed 16199547; PubMed 23932106; PubMed 27248490; PubMed 28556953.